The following is an entry in ClinVar:

NM_006648.4(WNK2):c.1820C>T (p.Ala607Val)

Gene: WNK2 (WNK lysine deficient protein kinase 2; plus strand). Cytogenetic location: 9q22.31.
Variant type: single nucleotide variant.
Coding change: c.1820C>T on transcript NM_006648.4 (MANE Select); coding-DNA position 1820, C replaced by T.
Protein change: p.Ala607Val; replaces alanine 607 with valine.
Molecular consequence: missense variant.
Genome position (GRCh38, 1-based): chr9:93,247,820, C>T. VCF-style: chr9-93247820-C-T. GRCh37 (hg19) VCF-style: chr9-96010102-C-T.
Other names: c.1820C>T, p.Ala607Val (NM_001282394.3); short protein forms A607V.
Identifiers: ClinVar variation 3816495 (VCV003816495.1).

ClinVar aggregate classification (germline): Uncertain significance (1 of 4 stars; one submission).

gnomAD v4.1: 15 of 1,539,234 alleles (0.00097%); highest among the groups gnomAD compares: East Asian, 0.034%; no homozygotes.

Submission:

Ambry Genetics
Classification: Uncertain significance. Last evaluated: 2024-12-15. Review status: criteria provided, single submitter. Criteria: Ambry Variant Classification Scheme 2023. Collection method: clinical testing. Allele origin: germline.
Comment: The p.A607V variant (also known as c.1820C>T), located in coding exon 7 of the WNK2 gene, results from a C to T substitution at nucleotide position 1820. The alanine at codon 607 is replaced by valine, an amino acid with similar properties. This amino acid position is conserved. In addition, this alteration is predicted to be tolerated by in silico analysis. Based on the available evidence, the clinical significance of this variant remains unclear.